The following is an entry in ClinVar:

ClinVar aggregate classification (germline): Pathogenic/Likely pathogenic. Review status: criteria provided, multiple submitters, no conflicts (2 of 4 stars). 2 submissions from 2 submitters: Pathogenic (1); Likely pathogenic (1). Last evaluated 2023-07-27.

Conditions:
TUBGCP6-related disorder. Also called: TUBGCP6-related condition.

Submissions (2):

Labcorp Genetics (formerly Invitae), Labcorp
Classification: Pathogenic. Last evaluated: 2023-07-27. Review status: criteria provided, single submitter. Criteria: Invitae Variant Classification Sherloc (09022015). Collection method: clinical testing. Allele origin: germline.
Comment: This variant has not been reported in the literature in individuals affected with TUBGCP6-related conditions. ClinVar contains an entry for this variant (Variation ID: 1072414). Algorithms developed to predict the effect of sequence changes on RNA splicing suggest that this variant may disrupt the consensus splice site. For these reasons, this variant has been classified as Pathogenic. This variant is not present in population databases (gnomAD no frequency). This sequence change creates a premature translational stop signal (p.Gln1412*) in the TUBGCP6 gene. It is expected to result in an absent or disrupted protein product. Loss-of-function variants in TUBGCP6 are known to be pathogenic (PMID: 25344692).

Blueprint Genetics
Classification: Likely pathogenic for TUBGCP6-related disorders. Last evaluated: 2022-12-01. Review status: criteria provided, single submitter. Criteria: ACMG Guidelines, 2015. Collection method: clinical testing. Allele origin: germline. Affected: yes. Observed: 1 variant allele.

Literature cited by the submitters: PubMed 25344692 (cited by Labcorp Genetics (formerly Invitae), Labcorp).

NM_020461.4(TUBGCP6):c.4234C>T (p.Gln1412Ter)

Gene: TUBGCP6 (tubulin gamma complex component 6; minus strand). Cytogenetic location: 22q13.33.
Variant type: single nucleotide variant.
Coding change: c.4234C>T on transcript NM_020461.4 (MANE Select); coding-DNA position 4234, C replaced by T.
Protein change: p.Gln1412Ter; replaces glutamine 1412 with a stop codon.
Molecular consequence: nonsense.
Genome position (GRCh38, 1-based): chr22:50,219,725, G>A on the plus strand (C>T on the coding strand, the complement: TUBGCP6 is on the minus strand). VCF-style: chr22-50219725-G-A. GRCh37 (hg19) VCF-style: chr22-50658154-G-A.
Other names: short protein forms Q1412*.
Identifiers: ClinVar variation 1072414 (VCV001072414.8), dbSNP rs2147175251, ClinGen allele CA412175347.